The following is an entry in ClinVar:

NM_006939.4(SOS2):c.1266A>C (p.Glu422Asp)

Gene: SOS2 (SOS Ras/Rho guanine nucleotide exchange factor 2; minus strand). Cytogenetic location: 14q21.3.
Variant type: single nucleotide variant.
Coding change: c.1266A>C on transcript NM_006939.4 (MANE Select); coding-DNA position 1266, A replaced by C.
Protein change: p.Glu422Asp; replaces glutamic acid 422 with aspartic acid.
Molecular consequence: missense variant.
Genome position (GRCh38, 1-based): chr14:50,160,017, T>G on the plus strand (A>C on the coding strand, the complement: SOS2 is on the minus strand). VCF-style: chr14-50160017-T-G. GRCh37 (hg19) VCF-style: chr14-50626735-T-G.
Other names: c.1266A>C (NM_006939.2); short protein forms E422D.
Identifiers: ClinVar variation 1007166 (VCV001007166.10), dbSNP rs755550719, ClinGen allele CA7177299.

ClinVar aggregate classification (germline): Uncertain significance. Review status: criteria provided, multiple submitters, no conflicts (2 of 4 stars). 2 submissions from 2 submitters: Uncertain significance (2). Last evaluated 2025-12-13.

Conditions:
Noonan syndrome 9 (NS9). Identifiers: Orphanet 648, MedGen C4225282, MONDO:0014691, OMIM 616559.

Allele frequency attached by ClinVar (database versions not stated): gnomAD exomes below 0.00001; TOPMed below 0.00001; ExAC 0.00001.
gnomAD v4.1: 1 of 1,614,086 alleles (0.000062%); highest among the groups gnomAD compares: African/African-American, 0.0013%; no homozygotes.

Submissions (2):

Labcorp Genetics (formerly Invitae), Labcorp
Classification: Uncertain significance for Noonan syndrome 9. Last evaluated: 2025-12-13. Review status: criteria provided, single submitter. Criteria: Invitae Variant Classification Sherloc (09022015). Collection method: clinical testing. Allele origin: germline.
Comment: This sequence change replaces glutamic acid, which is acidic and polar, with aspartic acid, which is acidic and polar, at codon 422 of the SOS2 protein (p.Glu422Asp). This variant is present in population databases (rs755550719, gnomAD 0.0009%). This variant has not been reported in the literature in individuals affected with SOS2-related conditions. ClinVar contains an entry for this variant (Variation ID: 1007166). Invitae Evidence Modeling of protein sequence and biophysical properties (such as structural, functional, and spatial information, amino acid conservation, physicochemical variation, residue mobility, and thermodynamic stability) indicates that this missense variant is not expected to disrupt SOS2 protein function with a negative predictive value of 95%. In summary, the available evidence is currently insufficient to determine the role of this variant in disease. Therefore, it has been classified as a Variant of Uncertain Significance.

GeneDx
Classification: Uncertain significance. Last evaluated: 2022-06-28. Review status: criteria provided, single submitter. Criteria: GeneDx Variant Classification Process June 2021. Collection method: clinical testing. Allele origin: germline. Affected: yes.
Comment: In silico analysis supports that this missense variant does not alter protein structure/function; Has not been previously published as pathogenic or benign to our knowledge